The following is an entry in ClinVar:

NM_002764.4(PRPS1):c.146G>A (p.Arg49His)

Gene: PRPS1 (phosphoribosyl pyrophosphate synthetase 1; plus strand). Cytogenetic location: Xq22.3.
Variant type: single nucleotide variant.
Coding change: c.146G>A on transcript NM_002764.4 (MANE Select); coding-DNA position 146, G replaced by A.
Protein change: p.Arg49His; replaces arginine 49 with histidine.
Molecular consequence: missense variant. On other transcripts: intron variant (1).
Genome position (GRCh38, 1-based): chrX:107,639,318, G>A. VCF-style: chrX-107639318-G-A. GRCh37 (hg19) VCF-style: chrX-106882548-G-A.
Other names: c.-82-5859G>A (NM_001204402.2); short protein forms R49H.
Identifiers: ClinVar variation 3651875 (VCV003651875.2).

ClinVar aggregate classification (germline): Uncertain significance (1 of 4 stars; one submission).

Conditions:
Charcot-Marie-Tooth Neuropathy X. Identifiers: MedGen CN118851.

gnomAD v4.1: 1 of 1,209,377 alleles (0.000083%); highest among the groups gnomAD compares: African/African-American, 0.0018%; no homozygotes.

Submission:

Labcorp Genetics (formerly Invitae), Labcorp
Classification: Uncertain significance for Charcot-Marie-Tooth Neuropathy X. Last evaluated: 2024-05-01. Review status: criteria provided, single submitter. Criteria: Invitae Variant Classification Sherloc (09022015). Collection method: clinical testing. Allele origin: germline.
Comment: This sequence change replaces arginine, which is basic and polar, with histidine, which is basic and polar, at codon 49 of the PRPS1 protein (p.Arg49His). This variant is not present in population databases (gnomAD no frequency). This variant has not been reported in the literature in individuals affected with PRPS1-related conditions. Advanced modeling of protein sequence and biophysical properties (such as structural, functional, and spatial information, amino acid conservation, physicochemical variation, residue mobility, and thermodynamic stability) performed at Invitae indicates that this missense variant is expected to disrupt PRPS1 protein function with a positive predictive value of 80%. In summary, the available evidence is currently insufficient to determine the role of this variant in disease. Therefore, it has been classified as a Variant of Uncertain Significance.